The following is an entry in ClinVar:

ClinVar aggregate classification (germline): Uncertain significance (1 of 4 stars; one submission).

Submission:

Labcorp Genetics (formerly Invitae), Labcorp
Classification: Uncertain significance. Last evaluated: 2024-10-16. Review status: criteria provided, single submitter. Criteria: Invitae Variant Classification Sherloc (09022015). Collection method: clinical testing. Allele origin: germline.
Comment: This sequence change replaces isoleucine, which is neutral and non-polar, with valine, which is neutral and non-polar, at codon 1024 of the EFL1 protein (p.Ile1024Val). This variant is not present in population databases (gnomAD no frequency). This variant has not been reported in the literature in individuals affected with EFL1-related conditions. ClinVar contains an entry for this variant (Variation ID: 2051738). Invitae Evidence Modeling of protein sequence and biophysical properties (such as structural, functional, and spatial information, amino acid conservation, physicochemical variation, residue mobility, and thermodynamic stability) indicates that this missense variant is not expected to disrupt EFL1 protein function with a negative predictive value of 80%. In summary, the available evidence is currently insufficient to determine the role of this variant in disease. Therefore, it has been classified as a Variant of Uncertain Significance.

NM_024580.6(EFL1):c.3070A>G (p.Ile1024Val)

Gene: EFL1 (elongation factor like GTPase 1; minus strand). Cytogenetic location: 15q25.2.
Variant type: single nucleotide variant.
Coding change: c.3070A>G on transcript NM_024580.6 (MANE Select); coding-DNA position 3070, A replaced by G.
Protein change: p.Ile1024Val; replaces isoleucine 1024 with valine.
Molecular consequence: missense variant. On other transcripts: non-coding transcript variant (1).
Genome position (GRCh38, 1-based): chr15:82,138,762, T>C on the plus strand (A>G on the coding strand, the complement: EFL1 is on the minus strand). VCF-style: chr15-82138762-T-C. GRCh37 (hg19) VCF-style: chr15-82431103-T-C.
Other names: c.2917A>G, p.Ile973Val (NM_001040610.3); c.2281A>G, p.Ile761Val (NM_001322844.2); c.3070A>G, p.Ile1024Val (NM_001322845.2); short protein forms I1024V, I761V, I973V.
Identifiers: ClinVar variation 2051738 (VCV002051738.4), dbSNP rs2073752866, ClinGen allele CA393283205.